The following is an entry in ClinVar:

NM_000059.4(BRCA2):c.6730A>T (p.Lys2244Ter)

Gene: BRCA2 (BRCA2 DNA repair associated; plus strand). Cytogenetic location: 13q13.1.
Variant type: single nucleotide variant.
Coding change: c.6730A>T on transcript NM_000059.4 (MANE Select); coding-DNA position 6730, A replaced by T.
Protein change: p.Lys2244Ter; replaces lysine 2244 with a stop codon.
Molecular consequence: nonsense.
Genome position (GRCh38, 1-based): chr13:32,341,085, A>T. VCF-style: chr13-32341085-A-T. GRCh37 (hg19) VCF-style: chr13-32915222-A-T.
Other names: 6958A>T (K2244X); short protein forms K2244*.
Identifiers: ClinVar variation 266973 (VCV000266973.19), dbSNP rs886040675, ClinGen allele CA10589401.

ClinVar aggregate classification (germline): Pathogenic. Review status: reviewed by expert panel (3 of 4 stars). 5 submissions from 5 submitters: Pathogenic (1). 4 of the submissions do not count toward it. Last evaluated 2016-10-18.

Conditions:
Hereditary cancer-predisposing syndrome. Also called: Hereditary neoplastic syndrome; Neoplastic Syndromes, Hereditary; Tumor predisposition; Hereditary Cancer Syndrome. Identifiers: Orphanet 140162, MedGen C0027672, MeSH D009386, MONDO:0015356.
Breast-ovarian cancer, familial, susceptibility to, 2 (BROVCA2). Also called: BRCA2 Hereditary Breast and Ovarian Cancer. Identifiers: Orphanet 145, MedGen C2675520, MONDO:0012933, OMIM 612555. Disease mechanism: loss of function.
Hereditary breast ovarian cancer syndrome. Also called: BRCA1- and BRCA2-Associated Hereditary Breast and Ovarian Cancer; Hereditary breast and ovarian cancer; Breast and ovarian cancer; Hereditary breast and/or ovarian cancer syndrome; Hereditary breast and ovarian cancer syndrome; Hereditary breast and ovarian cancer syndrome (HBOC). Identifiers: Orphanet 145, MedGen C0677776, MeSH D061325, MONDO:0003582. Disease mechanism: loss of function.

Submissions (5):

Evidence-based Network for the Interpretation of Germline Mutant Alleles (ENIGMA)
Classification: Pathogenic for Breast-ovarian cancer, familial, susceptibility to, 2. Last evaluated: 2016-10-18. Review status: reviewed by expert panel. Criteria: ENIGMA BRCA1/2 Classification Criteria (2015). Collection method: curation. Allele origin: germline.
Comment: Variant allele predicted to encode a truncated non-functional protein.

Labcorp Genetics (formerly Invitae), Labcorp
Classification: Pathogenic for Hereditary breast ovarian cancer syndrome. Last evaluated: 2024-04-03. Review status: criteria provided, single submitter. Criteria: Invitae Variant Classification Sherloc (09022015). Collection method: clinical testing. Allele origin: germline. Not counted in ClinVar's aggregate classification.
Comment: This sequence change creates a premature translational stop signal (p.Lys2244*) in the BRCA2 gene. It is expected to result in an absent or disrupted protein product. Loss-of-function variants in BRCA2 are known to be pathogenic (PMID: 20104584). This variant is not present in population databases (gnomAD no frequency). This premature translational stop signal has been observed in individual(s) with ductal carcinoma in situ and in individual(s) at risk for hereditary breast and/or ovarian cancer (PMID: 22009639, 29446198). ClinVar contains an entry for this variant (Variation ID: 266973). For these reasons, this variant has been classified as Pathogenic.

Ambry Genetics
Classification: Pathogenic for Hereditary cancer-predisposing syndrome. Last evaluated: 2024-02-15. Review status: criteria provided, single submitter. Criteria: Ambry Variant Classification Scheme 2023. Collection method: clinical testing. Allele origin: germline. Not counted in ClinVar's aggregate classification.
Comment: The p.K2244* pathogenic mutation (also known as c.6730A>T), located in coding exon 10 of the BRCA2 gene, results from an A to T substitution at nucleotide position 6730. This changes the amino acid from a lysine to a stop codon within coding exon 10. This alteration was identified in an individual diagnosed with breast cancer (Bayraktar S et al. Cancer, 2012 Mar;118:1515-22). This variant is considered to be rare based on population cohorts in the Genome Aggregation Database (gnomAD). In addition to the clinical data presented in the literature, this alteration is expected to result in loss of function by premature protein truncation or nonsense-mediated mRNA decay. As such, this alteration is interpreted as a disease-causing mutation.

Color Diagnostics, LLC DBA Color Health
Classification: Pathogenic for Hereditary cancer-predisposing syndrome. Last evaluated: 2020-01-15. Review status: criteria provided, single submitter. Criteria: ACMG Guidelines, 2015. Collection method: clinical testing. Allele origin: germline. Not counted in ClinVar's aggregate classification.
Comment: This variant changes 1 nucleotide in exon 11 of the BRCA2 gene, creating a premature translation stop signal. This variant is expected to result in an absent or non-functional protein product. This variant has not been identified in the general population by the Genome Aggregation Database (gnomAD). Loss of BRCA2 function is a known mechanism of disease. Based on the available evidence, this variant is classified as Pathogenic.

Consortium of Investigators of Modifiers of BRCA1/2 (CIMBA), c/o University of Cambridge
Classification: Pathogenic for Breast-ovarian cancer, familial, susceptibility to, 2. Last evaluated: 2015-10-02. Review status: criteria provided, single submitter. Criteria: CIMBA Mutation Classification guidelines May 2016. Collection method: clinical testing. Allele origin: germline. Not counted in ClinVar's aggregate classification.

Literature cited by the submitters: PubMed 20104584 (cited by Labcorp Genetics (formerly Invitae), Labcorp); PubMed 22009639 (cited by Labcorp Genetics (formerly Invitae), Labcorp and Ambry Genetics); PubMed 29446198 (cited by Labcorp Genetics (formerly Invitae), Labcorp).